The following is an entry in ClinVar:

NM_020779.4(WDR35):c.450G>A (p.Trp150Ter)

Gene: WDR35 (WD repeat domain 35; minus strand). Cytogenetic location: 2p24.1.
Variant type: single nucleotide variant.
Coding change: c.450G>A on transcript NM_020779.4 (MANE Select); coding-DNA position 450, G replaced by A.
Protein change: p.Trp150Ter; replaces tryptophan 150 with a stop codon.
Molecular consequence: nonsense.
Genome position (GRCh38, 1-based): chr2:19,975,650, C>T on the plus strand (G>A on the coding strand, the complement: WDR35 is on the minus strand). VCF-style: chr2-19975650-C-T. GRCh37 (hg19) VCF-style: chr2-20175411-C-T.
Other names: c.450G>A, p.Trp150Ter (NM_001006657.2); short protein forms W150*.
Identifiers: ClinVar variation 4882274 (VCV004882274.2).
Genomic context (GRCh38, chr2:19,975,650, plus strand): 5'-GACTTTACTGTCCGCAGACCATGTTACATGGGATAGCTGTATACCCTTCAGGTCTTTTCC[C>T]CAAATACGATTGCCTAAAACAAAACATTATTAAAAGTTGTTCAAGGTCATGATCCTCCAA-3'

ClinVar aggregate classification (germline): Likely pathogenic (1 of 4 stars; one submission).

Submission:

Dasa
Classification: Likely pathogenic. Last evaluated: 2025-11-17. Review status: criteria provided, single submitter. Criteria: DASA Assertion Criteria. Collection method: clinical testing. Allele origin: germline.
Comment: NM_020779.4(WDR35):c.450G>A (p.Trp150*) is a nonsense variant in WDR35 predicted to introduce a premature termination codon and is predicted to result in an absent or altered protein product. Loss of function is an established disease mechanism for WDR35-associated disorders. Also, this variant is rare in population databases. Based on the currently available evidence, this variant is classified as likely pathogenic.